The following is an entry in ClinVar:

ClinVar aggregate classification (germline): Benign (1 of 4 stars; one submission).

Conditions:
Leigh syndrome (NULS). Also called: Leigh's necrotizing encephalopathy; Leigh's disease; Leigh Syndrome (mtDNA deletion); Leigh Disease; Subacute necrotizing encephalopathy; Necrotizing encephalopathy infantile subacute of Leigh. Identifiers: Orphanet 506, MedGen C2931891, MONDO:0009723, OMIM 256000.

Submission:

Wong Mito Lab, Molecular and Human Genetics, Baylor College of Medicine
Classification: Benign for Leigh syndrome. Last evaluated: 2019-10-17. Review status: criteria provided, single submitter. Criteria: Modified ACMG Guidelines (Unpublished). Collection method: clinical testing. Allele origin: germline.
Comment: The NC_012920.1:m.8522C>T (YP_003024030.1:p.Pro53Ser) variant in MTATP8 gene is interpretated to be a Benign variant based on the modified ACMG guidelines (unpublished). This variant meets the following evidence codes: BS1, BS2

NC_012920.1(MT-ATP8):m.8522C>T

Gene: MT-ATP8 (mitochondrially encoded ATP synthase 8; plus strand).
Variant type: single nucleotide variant.
Genome position: chrM-8522-C-T.
Identifiers: ClinVar variation 692886 (VCV000692886.1), dbSNP rs1603221562, ClinGen allele CA414796488.